The following is an entry in ClinVar:

NM_001164508.2(NEB):c.25469G>A (p.Gly8490Glu)

Genes: RIF1 (replication timing regulatory factor 1; plus strand), NEB (nebulin; minus strand). Cytogenetic location: 2q23.3.
Variant type: single nucleotide variant.
Coding change: c.25469G>A on transcript NM_001164508.2 (MANE Select); coding-DNA position 25469, G replaced by A.
Protein change: p.Gly8490Glu; replaces glycine 8490 with glutamic acid.
Molecular consequence: missense variant.
Genome position (GRCh38, 1-based): chr2:151,485,869, C>T on the plus strand (G>A on the coding strand, the complement: NEB is on the minus strand). VCF-style: chr2-151485869-C-T. GRCh37 (hg19) VCF-style: chr2-152342383-C-T.
Other names: c.25469G>A, p.Gly8490Glu (NM_001164507.2); c.25574G>A, p.Gly8525Glu (NM_001271208.2); c.19901G>A, p.Gly6634Glu (NM_004543.5); short protein forms G8490E, G8525E, G6634E.
Identifiers: ClinVar variation 1972571 (VCV001972571.2), dbSNP rs1293067674, ClinGen allele CA348769996.

ClinVar aggregate classification (germline): Uncertain significance (1 of 4 stars; one submission).

Conditions:
Nemaline myopathy 2 (NEM2). Also called: Nemaline myopathy 2, autosomal recessive. Identifiers: MedGen C1850569, MONDO:0009725, OMIM 256030.

gnomAD v4.1: 2 of 1,613,970 alleles (0.00012%); highest among the groups gnomAD compares: South Asian, 0.0022%; no homozygotes.

Submission:

Labcorp Genetics (formerly Invitae), Labcorp
Classification: Uncertain significance for Nemaline myopathy 2. Last evaluated: 2022-05-18. Review status: criteria provided, single submitter. Criteria: Invitae Variant Classification Sherloc (09022015). Collection method: clinical testing. Allele origin: germline.
Comment: This sequence change replaces glycine, which is neutral and non-polar, with glutamic acid, which is acidic and polar, at codon 8525 of the NEB protein (p.Gly8525Glu). This variant is present in population databases (no rsID available, gnomAD 0.003%). This variant has not been reported in the literature in individuals affected with NEB-related conditions. Algorithms developed to predict the effect of missense changes on protein structure and function are either unavailable or do not agree on the potential impact of this missense change (SIFT: "Deleterious"; PolyPhen-2: "Not Available"; Align-GVGD: "Class C0"). In summary, the available evidence is currently insufficient to determine the role of this variant in disease. Therefore, it has been classified as a Variant of Uncertain Significance.